The following is an entry in ClinVar:

ClinVar aggregate classification (germline): Uncertain significance. Review status: criteria provided, multiple submitters, no conflicts (2 of 4 stars). 3 submissions from 3 submitters: Uncertain significance (3). Last evaluated 2025-04-01.

Conditions:
Hereditary cancer-predisposing syndrome. Also called: Neoplastic Syndromes, Hereditary; Hereditary Cancer Syndrome; Hereditary neoplastic syndrome; Tumor predisposition. Identifiers: Orphanet 140162, MedGen C0027672, MeSH D009386, MONDO:0015356.
Familial cancer of breast. Also called: Hereditary breast cancer; hereditary breast carcinoma; BREAST CANCER, FAMILIAL. Identifiers: Orphanet 227535, MedGen C0346153, MONDO:0016419, OMIM 114480. Disease mechanism: loss of function.
Fanconi anemia complementation group J. Also called: BRIP1-Related Fanconi Anemia. Identifiers: Orphanet 84, MedGen C1836860, MONDO:0012187, OMIM 609054.

Submissions (3):

Color Diagnostics, LLC DBA Color Health
Classification: Uncertain significance for Hereditary cancer-predisposing syndrome. Last evaluated: 2025-04-01. Review status: criteria provided, single submitter. Criteria: ACMG Guidelines, 2015. Collection method: clinical testing. Allele origin: germline.
Comment: This missense variant replaces cysteine with phenylalanine at codon 217 of the BRIP1 protein. Computational prediction is inconclusive regarding the impact of this variant on protein structure and function. To our knowledge, functional studies have not been reported for this variant. This variant has been reported in an individual affected with ovarian cancer (PMID: 31822495). This variant has not been identified in the general population by the Genome Aggregation Database (gnomAD). The available evidence is insufficient to determine the role of this variant in disease conclusively. Therefore, this variant is classified as a Variant of Uncertain Significance.

Ambry Genetics
Classification: Uncertain significance for Hereditary cancer-predisposing syndrome. Last evaluated: 2024-04-17. Review status: criteria provided, single submitter. Criteria: Ambry Variant Classification Scheme 2023. Collection method: clinical testing. Allele origin: germline.
Comment: The p.C217F variant (also known as c.650G>T), located in coding exon 6 of the BRIP1 gene, results from a G to T substitution at nucleotide position 650. The cysteine at codon 217 is replaced by phenylalanine, an amino acid with highly dissimilar properties. This amino acid position is highly conserved in available vertebrate species. In addition, this alteration is predicted to be deleterious by in silico analysis. Since supporting evidence is limited at this time, the clinical significance of this alteration remains unclear.

Labcorp Genetics (formerly Invitae), Labcorp
Classification: Uncertain significance for Familial cancer of breast; Fanconi anemia complementation group J. Last evaluated: 2024-04-13. Review status: criteria provided, single submitter. Criteria: Invitae Variant Classification Sherloc (09022015). Collection method: clinical testing. Allele origin: germline.
Comment: This sequence change replaces cysteine, which is neutral and slightly polar, with phenylalanine, which is neutral and non-polar, at codon 217 of the BRIP1 protein (p.Cys217Phe). This variant is not present in population databases (gnomAD no frequency). This variant has not been reported in the literature in individuals affected with BRIP1-related conditions. ClinVar contains an entry for this variant (Variation ID: 141981). Advanced modeling of protein sequence and biophysical properties (such as structural, functional, and spatial information, amino acid conservation, physicochemical variation, residue mobility, and thermodynamic stability) performed at Invitae indicates that this missense variant is expected to disrupt BRIP1 protein function with a positive predictive value of 80%. In summary, the available evidence is currently insufficient to determine the role of this variant in disease. Therefore, it has been classified as a Variant of Uncertain Significance.

Literature cited by the submitters: PubMed 31822495 (cited by Color Diagnostics, LLC DBA Color Health).

NM_032043.3(BRIP1):c.650G>T (p.Cys217Phe)

Gene: BRIP1 (BRCA1 interacting DNA helicase 1; minus strand). Cytogenetic location: 17q23.2.
Variant type: single nucleotide variant.
Coding change: c.650G>T on transcript NM_032043.3 (MANE Select); coding-DNA position 650, G replaced by T.
Protein change: p.Cys217Phe; replaces cysteine 217 with phenylalanine.
Molecular consequence: missense variant.
Genome position (GRCh38, 1-based): chr17:61,808,735, C>A on the plus strand (G>T on the coding strand, the complement: BRIP1 is on the minus strand). VCF-style: chr17-61808735-C-A. GRCh37 (hg19) VCF-style: chr17-59886096-C-A.
Other names: short protein forms C217F.
Identifiers: ClinVar variation 141981 (VCV000141981.18), dbSNP rs587782156, ClinGen allele CA167009.